The following is an entry in ClinVar:

ClinVar aggregate classification (germline): Likely benign (1 of 4 stars; one submission).

gnomAD v4.1: 3,376 of 1,608,008 alleles (0.21%); highest among the groups gnomAD compares: Non-Finnish European, 0.25%; 7 homozygotes.

Submission:

CeGaT Center for Human Genetics Tuebingen
Classification: Likely benign. Last evaluated: 2024-08-01. Review status: criteria provided, single submitter. Criteria: CeGaT Center For Human Genetics Tuebingen Variant Classification Criteria Version 2. Collection method: clinical testing. Allele origin: germline. Affected: yes. Observed: 1 variant allele.
Comment: PCM1: BP4, BS2

NM_006197.4(PCM1):c.808A>G (p.Met270Val)

Gene: PCM1 (pericentriolar material 1; plus strand). Cytogenetic location: 8p22.
Variant type: single nucleotide variant.
Coding change: c.808A>G on transcript NM_006197.4 (MANE Select); coding-DNA position 808, A replaced by G.
Protein change: p.Met270Val; replaces methionine 270 with valine.
Molecular consequence: missense variant. On other transcripts: non-coding transcript variant (1).
Genome position (GRCh38, 1-based): chr8:17,947,210, A>G. VCF-style: chr8-17947210-A-G. GRCh37 (hg19) VCF-style: chr8-17804719-A-G.
Other names: c.808A>G, p.Met270Val (NM_001352652.2, NM_001352653.2, NM_001352654.2 and 18 more transcripts); c.925A>G, p.Met309Val (NM_001352659.2, NM_001352660.2, NM_001352632.2 and 7 more transcripts); short protein forms M270V, M309V.
Identifiers: ClinVar variation 3341619 (VCV003341619.16).
Genomic context (GRCh38, chr8:17,947,210, plus strand): 5'-TAGTCAGATACAAGTATTGTTGGTCTTATTTTCCAGGCCAGAGATCCTCAGCAGGAGCCT[A>G]TGGAAGAGATAGAAAATTTGAAGAAACAACATGATTTATTAAAAAGAATGTTACAACAGC-3'
Protein context (NP_006188.4, residues 260-280): ILARDPQQEP[Met270Val]EEIENLKKQH